The following is an entry in ClinVar:

ClinVar aggregate classification (germline): Uncertain significance (1 of 4 stars; one submission).

Conditions:
Long QT syndrome (LQTS). Identifiers: MedGen C0023976, MeSH D008133, MONDO:0002442. Disease mechanism: loss of function. Inheritance: Various modes of inheritance.

Submission:

Labcorp Genetics (formerly Invitae), Labcorp
Classification: Uncertain significance for Long QT syndrome. Last evaluated: 2023-03-28. Review status: criteria provided, single submitter. Criteria: Invitae Variant Classification Sherloc (09022015). Collection method: clinical testing. Allele origin: unknown.
Comment: In summary, the available evidence is currently insufficient to determine the role of this variant in disease. Therefore, it has been classified as a Variant of Uncertain Significance. Experimental studies and prediction algorithms are not available or were not evaluated, and the functional significance of this variant is currently unknown. This variant has not been reported in the literature in individuals affected with CACNA1C-related conditions. This variant results in a copy number gain of the genomic region encompassing exon(s) 10-47 of the CACNA1C gene. This region includes the termination codon of the gene. This copy number gain extends beyond the assayed region for this gene and therefore may encompass additional genes. As the precise location of this event is unknown, it may be in tandem or it may be located elsewhere in the genome.

NC_000012.11:g.(?_2659089)_(2800365_?)dup

Gene: CACNA1C (calcium voltage-gated channel subunit alpha1 C; plus strand). Cytogenetic location: 12p13.33.
Variant type: Duplication.
Identifiers: ClinVar variation 3244232 (VCV003244232.1).